The following is an entry in ClinVar:

NM_001130438.3(SPTAN1):c.3415-11T>C

Gene: SPTAN1 (spectrin alpha, non-erythrocytic 1; plus strand). Cytogenetic location: 9q34.11.
Variant type: single nucleotide variant.
Coding change: c.3415-11T>C on transcript NM_001130438.3 (MANE Select); 11 bases into the intron before coding-DNA position 3415, T replaced by C.
Molecular consequence: intron variant.
Genome position (GRCh38, 1-based): chr9:128,598,389, T>C. VCF-style: chr9-128598389-T-C. GRCh37 (hg19) VCF-style: chr9-131360668-T-C.
Other names: c.3415-11T>C (NM_003127.4, NM_001375311.2, NM_001375310.1 and 2 more transcripts); c.3355-11T>C (NM_001363765.2, NM_001195532.2, NM_001375314.2); c.3451-11T>C (NM_001375318.1, NM_001375312.2).
Identifiers: ClinVar variation 1996999 (VCV001996999.4), dbSNP rs2541528971, ClinGen allele CA2580079711.
Genomic context (GRCh38, chr9:128,598,389, plus strand): 5'-TTTGTGACTATGTCTCCTTTGACTTTGGCTTGCTATTTTGGGTTTTAGTTATTATGGCTT[T>C]TGCTTTAAAGGACCTGAAGGCCAATGAGTCACGGTTGAAGGACATTAACAAGGTAGCTGA-3'

ClinVar aggregate classification (germline): Uncertain significance (1 of 4 stars; one submission).

Conditions:
Early-infantile DEE. Also called: Ohtahara syndrome; Early infantile epileptic encephalopathy; Early infantile epileptic encephalopathy with suppression bursts. Identifiers: Orphanet 1934, MedGen C0393706, MONDO:0800491.

Allele frequency attached by ClinVar (database versions not stated): gnomAD exomes below 0.00001.
gnomAD v4.1: 1 of 1,609,890 alleles (0.000062%); highest among the groups gnomAD compares: Admixed American, 0.0017%; no homozygotes.

Submission:

Labcorp Genetics (formerly Invitae), Labcorp
Classification: Uncertain significance for Early-infantile DEE. Last evaluated: 2022-05-30. Review status: criteria provided, single submitter. Criteria: Invitae Variant Classification Sherloc (09022015). Collection method: clinical testing. Allele origin: germline.
Comment: This variant is not present in population databases (gnomAD no frequency). This sequence change falls in intron 24 of the SPTAN1 gene. It does not directly change the encoded amino acid sequence of the SPTAN1 protein. This variant has not been reported in the literature in individuals affected with SPTAN1-related conditions. Algorithms developed to predict the effect of sequence changes on RNA splicing suggest that this variant may create or strengthen a splice site. In summary, the available evidence is currently insufficient to determine the role of this variant in disease. Therefore, it has been classified as a Variant of Uncertain Significance.